The following is an entry in ClinVar:

NM_006415.4(SPTLC1):c.811A>C (p.Ile271Leu)

Gene: SPTLC1 (serine palmitoyltransferase long chain base subunit 1; minus strand). Cytogenetic location: 9q22.31.
Variant type: single nucleotide variant.
Coding change: c.811A>C on transcript NM_006415.4 (MANE Select); coding-DNA position 811, A replaced by C.
Protein change: p.Ile271Leu; replaces isoleucine 271 with leucine.
Molecular consequence: missense variant.
Genome position (GRCh38, 1-based): chr9:92,050,037, T>G on the plus strand (A>C on the coding strand, the complement: SPTLC1 is on the minus strand). VCF-style: chr9-92050037-T-G. GRCh37 (hg19) VCF-style: chr9-94812319-T-G.
Other names: c.811A>C, p.Ile271Leu (NM_001281303.2); c.445A>C, p.Ile149Leu (NM_001368272.1); c.346A>C, p.Ile116Leu (NM_001368273.1); c.811A>C (NM_006415.2); short protein forms I116L, I271L, I149L.
Identifiers: ClinVar variation 661844 (VCV000661844.9), dbSNP rs944769022, ClinGen allele CA195388278.

ClinVar aggregate classification (germline): Uncertain significance. Review status: criteria provided, multiple submitters, no conflicts (2 of 4 stars). 2 submissions from 2 submitters: Uncertain significance (2). Last evaluated 2025-03-03.

Conditions:
Hereditary sensory and autonomic neuropathy type 1 (HSAN1). Also called: HSAN 1; HSN Type I; Hereditary Sensory Neuropathy Type I. Identifiers: Orphanet 36386, MedGen C0020071, MONDO:0018213.
Inborn genetic diseases. Identifiers: MedGen C0950123, MeSH D030342.

Allele frequency attached by ClinVar (database versions not stated): gnomAD exomes 0.00001; TOPMed 0.00001; gnomAD 0.00001.
gnomAD v4.1: 7 of 1,613,596 alleles (0.00043%); highest among the groups gnomAD compares: Non-Finnish European, 0.00059%; no homozygotes.

Submissions (2):

Ambry Genetics
Classification: Uncertain significance for Inborn genetic diseases. Last evaluated: 2025-03-03. Review status: criteria provided, single submitter. Criteria: Ambry Variant Classification Scheme 2023. Collection method: clinical testing. Allele origin: germline.

Labcorp Genetics (formerly Invitae), Labcorp
Classification: Uncertain significance for Hereditary sensory and autonomic neuropathy type 1. Last evaluated: 2023-03-13. Review status: criteria provided, single submitter. Criteria: Invitae Variant Classification Sherloc (09022015). Collection method: clinical testing. Allele origin: germline.
Comment: This sequence change replaces isoleucine, which is neutral and non-polar, with leucine, which is neutral and non-polar, at codon 271 of the SPTLC1 protein (p.Ile271Leu). In summary, the available evidence is currently insufficient to determine the role of this variant in disease. Therefore, it has been classified as a Variant of Uncertain Significance. Advanced modeling of protein sequence and biophysical properties (such as structural, functional, and spatial information, amino acid conservation, physicochemical variation, residue mobility, and thermodynamic stability) performed at Invitae indicates that this missense variant is not expected to disrupt SPTLC1 protein function. ClinVar contains an entry for this variant (Variation ID: 661844). This variant has not been reported in the literature in individuals affected with SPTLC1-related conditions. This variant is not present in population databases (gnomAD no frequency).